The following is an entry in ClinVar:

NM_001367549.1(ATP13A3):c.3256A>G (p.Ile1086Val)

Gene: ATP13A3 (ATPase 13A3; minus strand). Cytogenetic location: 3q29.
Variant type: single nucleotide variant.
Coding change: c.3256A>G on transcript NM_001367549.1 (MANE Select); coding-DNA position 3256, A replaced by G.
Protein change: p.Ile1086Val; replaces isoleucine 1086 with valine.
Molecular consequence: missense variant. On other transcripts: non-coding transcript variant (2).
Genome position (GRCh38, 1-based): chr3:194,425,399, T>C on the plus strand (A>G on the coding strand, the complement: ATP13A3 is on the minus strand). VCF-style: chr3-194425399-T-C. GRCh37 (hg19) VCF-style: chr3-194146128-T-C.
Other names: c.3175A>G, p.Ile1059Val (NM_001374836.1); c.3256A>G, p.Ile1086Val (NM_024524.4); short protein forms I1059V, I1086V.
Identifiers: ClinVar variation 3617642 (VCV003617642.2).

ClinVar aggregate classification (germline): Uncertain significance (1 of 4 stars; one submission).

gnomAD v4.1: 3 of 1,613,470 alleles (0.00019%); highest among the groups gnomAD compares: Non-Finnish European, 0.00025%; no homozygotes.

Submission:

Labcorp Genetics (formerly Invitae), Labcorp
Classification: Uncertain significance. Last evaluated: 2024-08-20. Review status: criteria provided, single submitter. Criteria: Invitae Variant Classification Sherloc (09022015). Collection method: clinical testing. Allele origin: germline.
Comment: This sequence change replaces isoleucine, which is neutral and non-polar, with valine, which is neutral and non-polar, at codon 1086 of the ATP13A3 protein (p.Ile1086Val). This variant is present in population databases (rs755587618, gnomAD 0.0009%). This variant has not been reported in the literature in individuals affected with ATP13A3-related conditions. Invitae Evidence Modeling of protein sequence and biophysical properties (such as structural, functional, and spatial information, amino acid conservation, physicochemical variation, residue mobility, and thermodynamic stability) indicates that this missense variant is not expected to disrupt ATP13A3 protein function with a negative predictive value of 80%. In summary, the available evidence is currently insufficient to determine the role of this variant in disease. Therefore, it has been classified as a Variant of Uncertain Significance.